The following is an entry in ClinVar:

ClinVar aggregate classification (germline): Uncertain significance. Review status: reviewed by expert panel (3 of 4 stars). 2 submissions from 2 submitters: Uncertain significance (1). 1 of the submissions does not count toward it. Last evaluated 2019-12-15.

Conditions:
Phenylketonuria (PKU). Also called: Phenylketonuria (PKU); FOLLING DISEASE; OLIGOPHRENIA PHENYLPYRUVICA; Phenylketonurias. Identifiers: Orphanet 716, MedGen C0031485, MONDO:0009861, OMIM 261600. Disease mechanism: loss of function.

gnomAD v4.1: 2 of 1,613,904 alleles (0.00012%); highest among the groups gnomAD compares: Non-Finnish European, 0.00017%; no homozygotes.

Submissions (2):

ClinGen PAH Variant Curation Expert Panel
Classification: Uncertain significance for Phenylketonuria. Last evaluated: 2019-12-15. Review status: reviewed by expert panel. Criteria: ClinGen PAH ACMG Specifications v1. Collection method: curation. Allele origin: germline. Inheritance: Autosomal recessive inheritance.
Comment: The c.1022A>G (p.Lys341Arg) variant in PAH has not been reported in a patient with PAH deficiency (to our knowledge). It was submitted to the PAHdb/McGill by Cadiou in 1994. This variant is absent from controls in ExAC, gnomAD, 1000 Genomes, and ESP. There are conflicting interpretations of pathogenicity: SIFT (T); PolyPhen2 (P); MutationTaster (D), REVEL=0.831. In summary, this variant meets criteria to be classified as uncertain significance for PAH. PAH-specific ACMG/AMP criteria applied: PM2.

DeBelle Laboratory for Biochemical Genetics, MUHC/MCH RESEARCH INSTITUTE
No classification provided. Review status: no classification provided. Collection method: not provided. Allele origin: not provided. Not counted in ClinVar's aggregate classification.

NM_000277.3(PAH):c.1022A>G (p.Lys341Arg)

Gene: PAH (phenylalanine hydroxylase; minus strand). Cytogenetic location: 12q23.2.
Variant type: single nucleotide variant.
Coding change: c.1022A>G on transcript NM_000277.3 (MANE Select); coding-DNA position 1022, A replaced by G.
Protein change: p.Lys341Arg; replaces lysine 341 with arginine.
Molecular consequence: missense variant.
Genome position (GRCh38, 1-based): chr12:102,844,379, T>C on the plus strand (A>G on the coding strand, the complement: PAH is on the minus strand). VCF-style: chr12-102844379-T-C. GRCh37 (hg19) VCF-style: chr12-103238157-T-C.
Other names: c.1022A>G, p.Lys341Arg (NM_001354304.2); short protein forms K341R.
Identifiers: ClinVar variation 102472 (VCV000102472.2), dbSNP rs62516153, ClinGen allele CA229275.
Genomic context (GRCh38, chr12:102,844,379, plus strand): 5'-TCCTGTGAAGGTCATACCTGTAATTCACCAAAGGATGACAGGAGCCCAGCACCATATGCC[T>C]TTATGGAGTCTCCTTGTTTGCAGAGCCCAAACTCCACAGTAAACCAGTAAATCTGGAATG-3'
Protein context (NP_000268.1, residues 331-351): FGLCKQGDSI[Lys341Arg]AYGAGLLSSF